The following is an entry in ClinVar:

ClinVar aggregate classification (germline): Likely pathogenic. Review status: reviewed by expert panel (3 of 4 stars). 7 submissions from 7 submitters: Likely pathogenic (1). 6 of the submissions do not count toward it. Last evaluated 2025-01-07.

Conditions:
Autosomal recessive limb-girdle muscular dystrophy. Identifiers: Orphanet 102015, MedGen C2931907, MONDO:0015152.
Autosomal recessive limb-girdle muscular dystrophy type 2A (LGMDR1). Also called: Calpainopathy; MUSCULAR DYSTROPHY, PELVOFEMORAL; Limb-girdle muscular dystrophy, type 2A; Muscular dystrophy, limb-girdle, type 2A, Amish; LEYDEN-MOEBIUS MUSCULAR DYSTROPHY. Identifiers: Orphanet 267, MedGen C1869123, MONDO:0009675, OMIM 253600. Disease mechanism: loss of function.

Allele frequency attached by ClinVar (database versions not stated): gnomAD 0.00001.
gnomAD v4.1: 7 of 1,613,768 alleles (0.00043%); highest among the groups gnomAD compares: Non-Finnish European, 0.00059%; no homozygotes.

Submissions (7):

ClinGen Limb Girdle Muscular Dystrophy Variant Curation Expert Panel, ClinGen
Classification: Likely pathogenic for Autosomal recessive limb-girdle muscular dystrophy. Last evaluated: 2025-01-07. Review status: reviewed by expert panel. Criteria: ClinGen LGMD VCEP ACMG Specifications CAPN3 V1.0.0. Collection method: curation. Allele origin: germline. Inheritance: Autosomal recessive inheritance.
Comment: The NM_000070.3: c.633G>C variant in CAPN3 is a missense variant predicted to cause substitution of lysine by asparagine at amino acid 211 (p.Lys211Asn). This variant has been detected in at least nine individuals with limb girdle muscular dystrophy (PMID: 16411092, 20694146, 18055493, 18334579, 16141003, 30564623; LOVD CAPN3_000437; Washington University internal clinic data communication), including two observations in unknown phase with a variant classified as at least likely pathogenic (c.1319G>A p.(Arg440Gln), 0.5 pts, PMID: 18334579, 18055493, 20694146). At least one patient with this variant displayed progressive limb girdle muscle weakness and absent calpain-3 protein expression, which is highly specific for CAPN3-related LGMD (PP4_Strong; PMID: 18055493, 20694146). This variant is absent from gnomAD v2.1.1 and v3.1.1 (PM2_Supporting). The computational predictor REVEL gives a score of 0.859, which is above the VCEP threshold of 0.70, evidence that correlates with impact to CAPN3 function (PP3). In summary, this variant meets the criteria to be classified as Likely Pathogenic for autosomal recessive limb girdle muscular dystrophy based on the ACMG/AMP criteria applied, as specified by the ClinGen LGMD VCEP (LGMD VCEP specifications version 1.0.0; 01/07/2025): PM3_Supporting, PP4_Strong, PM2_Supporting, PP3.

Labcorp Genetics (formerly Invitae), Labcorp
Classification: Uncertain significance for Autosomal recessive limb-girdle muscular dystrophy type 2A. Last evaluated: 2025-10-02. Review status: criteria provided, single submitter. Criteria: Invitae Variant Classification Sherloc (09022015). Collection method: clinical testing. Allele origin: germline. Not counted in ClinVar's aggregate classification.
Comment: This sequence change replaces lysine, which is basic and polar, with asparagine, which is neutral and polar, at codon 211 of the CAPN3 protein (p.Lys211Asn). This variant is not present in population databases (gnomAD no frequency). This missense change has been observed in individual(s) with limb-girdle muscular dystrophy (LGMD) (PMID: 16141003, 18055493). ClinVar contains an entry for this variant (Variation ID: 284946). An algorithm developed to predict the effect of missense changes on protein structure and function (PolyPhen-2) suggests that this variant is likely to be disruptive. In summary, the available evidence is currently insufficient to determine the role of this variant in disease. Therefore, it has been classified as a Variant of Uncertain Significance.

Revvity Omics, Revvity
Classification: Likely pathogenic. Last evaluated: 2025-07-11. Review status: criteria provided, single submitter. Criteria: ACMG Guidelines, 2015. Collection method: clinical testing. Allele origin: germline. Not counted in ClinVar's aggregate classification.

Natera, Inc.
Classification: Likely pathogenic for Limb-girdle muscular dystrophy type 2A. Last evaluated: 2024-10-24. Review status: criteria provided, single submitter. Criteria: Natera Variant Classification Schema (03/2026). Collection method: clinical testing. Allele origin: germline. Not counted in ClinVar's aggregate classification.
Comment: The c.633G>C variant in CAPN3 is a missense variant predicted to cause substitution of lysine to asparagine at amino acid 211. This variant is rare in the general population with a frequency below the threshold expected for the associated phenotype(s). This variant has been observed in one or more individuals affected with the associated recessive disease, as either homozygous or compound heterozygous with a second variant (PMID: 18055493, 30564623). Computational prediction algorithms indicate this variant is likely to affect gene or protein function. Given the available evidence, this variant is classified as Likely Pathogenic.

Mayo Clinic Laboratories, Mayo Clinic
Classification: Uncertain significance. Last evaluated: 2020-08-31. Review status: criteria provided, single submitter. Criteria: ACMG Guidelines, 2015. Collection method: clinical testing. Allele origin: germline. Observed: 1 variant allele. Not counted in ClinVar's aggregate classification.

Eurofins Ntd Llc (ga)
Classification: Uncertain significance. Last evaluated: 2018-06-15. Review status: criteria provided, single submitter. Criteria: EGL ClinVar v180209 classification definitions. Collection method: clinical testing. Allele origin: germline. Observed: 8 variant alleles, 8 heterozygotes. Not counted in ClinVar's aggregate classification.

Counsyl
Classification: Uncertain significance for Autosomal recessive limb-girdle muscular dystrophy type 2A. Last evaluated: 2017-05-19. Review status: no assertion criteria provided. Collection method: clinical testing. Allele origin: unknown. Not counted in ClinVar's aggregate classification.

Literature cited by the submitters: PubMed 16141003 (cited by Labcorp Genetics (formerly Invitae), Labcorp); PubMed 18055493 (cited by 4 submitters); PubMed 30564623 (cited by Natera, Inc.); PubMed 18334579 (cited by Eurofins Ntd Llc (ga)).

NM_000070.3(CAPN3):c.633G>C (p.Lys211Asn)

Gene: CAPN3 (calpain 3; plus strand). Cytogenetic location: 15q15.1.
Variant type: single nucleotide variant.
Coding change: c.633G>C on transcript NM_000070.3 (MANE Select); coding-DNA position 633, G replaced by C.
Protein change: p.Lys211Asn; replaces lysine 211 with asparagine.
Molecular consequence: missense variant.
Genome position (GRCh38, 1-based): chr15:42,388,928, G>C. VCF-style: chr15-42388928-G-C. GRCh37 (hg19) VCF-style: chr15-42681126-G-C.
Other names: NM_000070.3(CAPN3):c.633G>C; c.633G>C, p.Lys211Asn (NM_024344.2, NM_173087.2); short protein forms K211N.
Identifiers: ClinVar variation 284946 (VCV000284946.22), dbSNP rs779701414, ClinGen allele CA10604967.
Genomic context (GRCh38, chr15:42,388,928, plus strand): 5'-ACCTGGGTTTTGTTCCCTGGAACTCTGTGACCCCAAATTGGTCTTCATCCTCTCTCTAAG[G>C]CTCCATGGTTCCTACGAAGCTCTGAAAGGTGGGAACACCACAGAGGCCATGGAGGACTTC-3'
Protein context (NP_000061.1, residues 201-221): WSALLEKAYA[Lys211Asn]LHGSYEALKG